The following is an entry in ClinVar:

NM_001001957.2(OR2W3):c.848C>T (p.Pro283Leu)

Gene: OR2W3 (olfactory receptor family 2 subfamily W member 3; plus strand). Cytogenetic location: 1q44.
Variant type: single nucleotide variant.
Coding change: c.848C>T on transcript NM_001001957.2 (MANE Select); coding-DNA position 848, C replaced by T.
Protein change: p.Pro283Leu; replaces proline 283 with leucine.
Molecular consequence: missense variant.
Genome position (GRCh38, 1-based): chr1:247,896,434, C>T. VCF-style: chr1-247896434-C-T. GRCh37 (hg19) VCF-style: chr1-248059736-C-T.
Other names: short protein forms P283L.
Identifiers: ClinVar variation 1648009 (VCV001648009.10), dbSNP rs141996133, ClinGen allele CA1498702.

ClinVar aggregate classification (germline): Likely benign. Review status: criteria provided, single submitter (1 of 4 stars). 2 submissions from 2 submitters: Likely benign (1). 1 of the submissions does not count toward it. Last evaluated 2026-01-11.

Conditions:
OR2W3-related disorder. Also called: OR2W3-related condition.

Allele frequency attached by ClinVar (database versions not stated): ExAC 0.00042; 1000 Genomes Project 0.00120; 1000 Genomes Project 30x 0.00141; TOPMed 0.00154; ESP Exome Variant Server 0.00161.
gnomAD v4.1: 361 of 1,613,128 alleles (0.022%); highest among the groups gnomAD compares: African/African-American, 0.38%; 1 homozygote.

Submissions (2):

Labcorp Genetics (formerly Invitae), Labcorp
Classification: Likely benign. Last evaluated: 2026-01-11. Review status: criteria provided, single submitter. Criteria: Invitae Variant Classification Sherloc (09022015). Collection method: clinical testing. Allele origin: germline.

PreventionGenetics, part of Exact Sciences
Classification: Likely benign for OR2W3-related condition. Last evaluated: 2024-04-16. Review status: no assertion criteria provided. Collection method: clinical testing. Allele origin: germline. Not counted in ClinVar's aggregate classification.
Comment: This variant is classified as likely benign based on ACMG/AMP sequence variant interpretation guidelines (Richards et al. 2015 PMID: 25741868, with internal and published modifications).